The following is an entry in ClinVar:

NM_004281.4(BAG3):c.1344C>T (p.Asp448=)

Gene: BAG3 (BAG cochaperone 3; plus strand). Cytogenetic location: 10q26.11.
Variant type: single nucleotide variant.
Coding change: c.1344C>T on transcript NM_004281.4 (MANE Select); coding-DNA position 1344, C replaced by T.
Protein change: p.Asp448=; no amino-acid change (aspartic acid 448 retained).
Molecular consequence: synonymous variant.
Genome position (GRCh38, 1-based): chr10:119,676,898, C>T. VCF-style: chr10-119676898-C-T. GRCh37 (hg19) VCF-style: chr10-121436410-C-T.
Identifiers: ClinVar variation 179333 (VCV000179333.13), dbSNP rs727504796, ClinGen allele CA184220.

ClinVar aggregate classification (germline): Likely benign. Review status: criteria provided, multiple submitters, no conflicts (2 of 4 stars). 5 submissions from 5 submitters: Likely benign (5). Last evaluated 2025-05-12.

Conditions:
Cardiovascular phenotype. Identifiers: MedGen CN230736.
Myofibrillar myopathy 6. Identifiers: Orphanet 199340, MedGen C2751831, MONDO:0013061, OMIM 612954.
Dilated cardiomyopathy 1HH (CMD1HH). Identifiers: Orphanet 154, MedGen C3151293, MONDO:0013479, OMIM 613881.

Allele frequency attached by ClinVar (database versions not stated): gnomAD exomes 0.00001.
gnomAD v4.1: 7 of 1,614,162 alleles (0.00043%); highest among the groups gnomAD compares: Non-Finnish European, 0.00059%; no homozygotes.

Submissions (5):

Labcorp Genetics (formerly Invitae), Labcorp
Classification: Likely benign for Dilated cardiomyopathy 1HH; Myofibrillar myopathy 6. Last evaluated: 2025-05-12. Review status: criteria provided, single submitter. Criteria: Invitae Variant Classification Sherloc (09022015). Collection method: clinical testing. Allele origin: germline.

Molecular Diagnostic Laboratory for Inherited Cardiovascular Disease, Montreal Heart Institute
Classification: Likely benign. Last evaluated: 2025-04-09. Review status: criteria provided, single submitter. Criteria: ACMG Guidelines, 2015. Collection method: clinical testing. Allele origin: germline. Affected: no.

Ambry Genetics
Classification: Likely benign for Cardiovascular phenotype. Last evaluated: 2024-02-26. Review status: criteria provided, single submitter. Criteria: Ambry Variant Classification Scheme 2023. Collection method: clinical testing. Allele origin: germline.

Blueprint Genetics
Classification: Likely benign. Last evaluated: 2023-11-10. Review status: criteria provided, single submitter. Criteria: ACMG Guidelines, 2015. Collection method: clinical testing. Allele origin: germline.

Laboratory for Molecular Medicine, Mass General Brigham Personalized Medicine
Classification: Likely benign. Last evaluated: 2013-10-21. Review status: criteria provided, single submitter. Criteria: LMM Criteria. Collection method: clinical testing. Allele origin: germline. Observed: 1 variant allele.
Comment: Asp448Asp in exon 4 of BAG3: This variant is not expected to have clinical signi ficance because it does not alter an amino acid residue and is not located withi n the splice consensus sequence. Asp448Asp in exon 4 of BAG3 (allele frequency = n/a)